The following is an entry in ClinVar:

NM_003743.5(NCOA1):c.3921A>C (p.Ala1307=)

Gene: NCOA1 (nuclear receptor coactivator 1; plus strand). Cytogenetic location: 2p23.3.
Variant type: single nucleotide variant.
Coding change: c.3921A>C on transcript NM_003743.5 (MANE Select); coding-DNA position 3921, A replaced by C.
Protein change: p.Ala1307=; no amino-acid change (alanine 1307 retained).
Molecular consequence: synonymous variant.
Genome position (GRCh38, 1-based): chr2:24,758,012, A>C. VCF-style: chr2-24758012-A-C. GRCh37 (hg19) VCF-style: chr2-24980881-A-C.
Other names: c.3921A>C, p.Ala1307= (NM_001362950.1, NM_001362952.1, NM_001362954.1 and 3 more transcripts).
Identifiers: ClinVar variation 4997389 (VCV004997389.1).

ClinVar aggregate classification (germline): Likely benign (1 of 4 stars; one submission).

Conditions:
NCOA1-related disorder. Also called: NCOA1-related condition.

gnomAD v4.1: 1 of 1,614,164 alleles (0.000062%); highest among the groups gnomAD compares: Non-Finnish European, 0.000085%; no homozygotes.

Submission:

PreventionGenetics, part of Exact Sciences
Classification: Likely benign for NCOA1-related condition. Last evaluated: 2025-06-02. Review status: criteria provided, single submitter. Criteria: ACMG Guidelines, 2015. Collection method: clinical testing. Allele origin: germline.
Comment: This variant is classified as likely benign based on ACMG/AMP sequence variant interpretation guidelines (Richards et al. 2015 PMID: 25741868, with internal and published modifications).